The following is an entry in ClinVar:

ClinVar aggregate classification (germline): Uncertain significance. Review status: criteria provided, multiple submitters, no conflicts (2 of 4 stars). 2 submissions from 2 submitters: Uncertain significance (2). Last evaluated 2025-09-10.

Submissions (2):

Labcorp Genetics (formerly Invitae), Labcorp
Classification: Uncertain significance. Last evaluated: 2025-09-10. Review status: criteria provided, single submitter. Criteria: Invitae Variant Classification Sherloc (09022015). Collection method: clinical testing. Allele origin: germline.
Comment: This sequence change creates a premature translational stop signal (p.Ala328Profs*37) in the IHH gene. While this is not anticipated to result in nonsense mediated decay, it is expected to disrupt the last 84 amino acid(s) of the IHH protein. This variant is not present in population databases (gnomAD no frequency). This variant has not been reported in the literature in individuals affected with IHH-related conditions. ClinVar contains an entry for this variant (Variation ID: 598077). Experimental studies and prediction algorithms are not available or were not evaluated, and the functional significance of this variant is currently unknown. In summary, the available evidence is currently insufficient to determine the role of this variant in disease. Therefore, it has been classified as a Variant of Uncertain Significance.

Eurofins Ntd Llc (ga)
Classification: Uncertain significance. Last evaluated: 2018-08-02. Review status: criteria provided, single submitter. Criteria: EGL ClinVar v180209 classification definitions. Collection method: clinical testing. Allele origin: germline. Observed: 1 variant allele, 1 heterozygote.

NM_002181.4(IHH):c.982del (p.Ala328fs)

Gene: IHH (Indian hedgehog signaling molecule; minus strand). Cytogenetic location: 2q35.
Variant type: Deletion.
Coding change: c.982del on transcript NM_002181.4 (MANE Select); coding-DNA position 982, one base deleted (G; older notation c.982delG).
Protein change: p.Ala328fs; shifts the reading frame from alanine 328.
Molecular consequence: frameshift variant.
Genome position (GRCh38, 1-based): chr2:219,055,461, C deleted on the plus strand (G on the coding strand, the reverse complement: IHH is on the minus strand); the first of 4 consecutive C bases (chr2:219,055,461-219,055,464); deleting any one gives the same sequence. VCF-style (leftmost placement, unchanged base first): chr2-219055460-GC-G. GRCh37 (hg19) VCF-style: chr2-219920182-GC-G.
Other names: short protein forms A328fs.
Identifiers: ClinVar variation 598077 (VCV000598077.9), dbSNP rs1559178876, ClinGen allele CA913189908.